The following is an entry in ClinVar:

ClinVar aggregate classification (germline): Uncertain significance (1 of 4 stars; one submission).

Conditions:
Sulfite oxidase deficiency due to molybdenum cofactor deficiency type C. Also called: Molybdenum cofactor deficiency C; Molybdenum cofactor deficiency, complementation group C. Identifiers: Orphanet 308400, Orphanet 833, MedGen C1854990, MONDO:0014212, OMIM 615501.

Allele frequency attached by ClinVar (database versions not stated): ExAC 0.00001.

Submission:

Labcorp Genetics (formerly Invitae), Labcorp
Classification: Uncertain significance for Sulfite oxidase deficiency due to molybdenum cofactor deficiency type C. Last evaluated: 2024-02-26. Review status: criteria provided, single submitter. Criteria: Invitae Variant Classification Sherloc (09022015). Collection method: clinical testing. Allele origin: germline.
Comment: This sequence change replaces serine, which is neutral and polar, with phenylalanine, which is neutral and non-polar, at codon 295 of the GPHN protein (p.Ser295Phe). This variant is present in population databases (rs767514370, gnomAD 0.03%). This variant has not been reported in the literature in individuals affected with GPHN-related conditions. ClinVar contains an entry for this variant (Variation ID: 1354158). Advanced modeling of protein sequence and biophysical properties (such as structural, functional, and spatial information, amino acid conservation, physicochemical variation, residue mobility, and thermodynamic stability) performed at Invitae indicates that this missense variant is expected to disrupt GPHN protein function with a positive predictive value of 80%. In summary, the available evidence is currently insufficient to determine the role of this variant in disease. Therefore, it has been classified as a Variant of Uncertain Significance.

NM_020806.5(GPHN):c.884C>T (p.Ser295Phe)

Gene: GPHN (gephyrin; plus strand). Cytogenetic location: 14q23.3.
Variant type: single nucleotide variant.
Coding change: c.884C>T on transcript NM_020806.5 (MANE Select); coding-DNA position 884, C replaced by T.
Protein change: p.Ser295Phe; replaces serine 295 with phenylalanine.
Molecular consequence: missense variant.
Genome position (GRCh38, 1-based): chr14:66,965,246, C>T. VCF-style: chr14-66965246-C-T. GRCh37 (hg19) VCF-style: chr14-67431963-C-T.
Other names: c.785C>T, p.Ser262Phe (NM_001024218.2, NM_001377515.1, NM_001377516.1 and 2 more transcripts); c.824C>T, p.Ser275Phe (NM_001377514.1, NM_001377519.1); short protein forms S275F, S262F, S295F.
Identifiers: ClinVar variation 1354158 (VCV001354158.8), dbSNP rs767514370, ClinGen allele CA7233863.